The following is an entry in ClinVar:

ClinVar aggregate classification (germline): Benign/Likely benign. Review status: criteria provided, multiple submitters, no conflicts (2 of 4 stars). 8 submissions from 8 submitters: Benign (1); Likely benign (5). 2 of the submissions do not count toward it. Last evaluated 2026-01-27.

Conditions:
KMT2D-related disorder. Also called: KMT2D-Related Disorders.
Inborn genetic diseases. Identifiers: MedGen C0950123, MeSH D030342.
Kabuki syndrome. Also called: NIIKAWA-KUROKI SYNDROME; Kabuki make-up syndrome. Identifiers: Orphanet 2322, MedGen C0796004, MONDO:0016512.
Kabuki syndrome 1 (KABUK1). Also called: KMT2D-Related Kabuki Syndrome. Identifiers: Orphanet 2322, MedGen CN030661, MONDO:0007843, OMIM 147920.

Allele frequency attached by ClinVar (database versions not stated): 1000 Genomes Project 0.00020; gnomAD 0.00037 and 0.00038; ESP Exome Variant Server 0.00057; TOPMed 0.00028; 1000 Genomes Project 30x 0.00016; ExAC 0.00031.
gnomAD v4.1: 856 of 1,614,024 alleles (0.053%); highest among the groups gnomAD compares: Non-Finnish European, 0.065%; 4 homozygotes.

Submissions (8):

Labcorp Genetics (formerly Invitae), Labcorp
Classification: Likely benign for Kabuki syndrome. Last evaluated: 2026-01-27. Review status: criteria provided, single submitter. Criteria: Invitae Variant Classification Sherloc (09022015). Collection method: clinical testing. Allele origin: germline.

Ambry Genetics
Classification: Likely benign for Inborn genetic diseases. Last evaluated: 2025-01-24. Review status: criteria provided, single submitter. Criteria: Ambry Variant Classification Scheme 2023. Collection method: clinical testing. Allele origin: germline.

Blueprint Genetics
Classification: Likely benign. Last evaluated: 2024-10-16. Review status: criteria provided, single submitter. Criteria: ACMG Guidelines, 2015. Collection method: clinical testing. Allele origin: germline.

CeGaT Center for Human Genetics Tuebingen
Classification: Likely benign. Last evaluated: 2022-06-01. Review status: criteria provided, single submitter. Criteria: CeGaT Center For Human Genetics Tuebingen Variant Classification Criteria Version 2. Collection method: clinical testing. Allele origin: germline. Affected: yes. Observed: 2 variant alleles.
Comment: KMT2D: PP2, BP4, BS2

GeneDx
Classification: Benign. Last evaluated: 2019-02-27. Review status: criteria provided, single submitter. Criteria: GeneDx Variant Classification Process June 2021. Collection method: clinical testing. Allele origin: germline. Affected: yes.

Eurofins Ntd Llc (ga)
Classification: Likely benign. Last evaluated: 2017-02-17. Review status: criteria provided, single submitter. Criteria: EGL Classification Definitions 2015. Collection method: clinical testing. Allele origin: germline. Observed: 1 variant allele, 1 heterozygote.

PreventionGenetics, part of Exact Sciences
Classification: Likely benign for KMT2D-related condition. Last evaluated: 2022-09-12. Review status: no assertion criteria provided. Collection method: clinical testing. Allele origin: germline. Not counted in ClinVar's aggregate classification.
Comment: This variant is classified as likely benign based on ACMG/AMP sequence variant interpretation guidelines (Richards et al. 2015 PMID: 25741868, with internal and published modifications).

Genetic Services Laboratory, University of Chicago
Classification: Benign. Last evaluated: 2022-05-06. Review status: no assertion criteria provided. Collection method: clinical testing. Allele origin: germline. Affected: no. Not counted in ClinVar's aggregate classification.

NM_003482.4(KMT2D):c.7954A>C (p.Met2652Leu)

Gene: KMT2D (lysine methyltransferase 2D; minus strand). Cytogenetic location: 12q13.12.
Variant type: single nucleotide variant.
Coding change: c.7954A>C on transcript NM_003482.4 (MANE Select); coding-DNA position 7954, A replaced by C.
Protein change: p.Met2652Leu; replaces methionine 2652 with leucine.
Molecular consequence: missense variant.
Genome position (GRCh38, 1-based): chr12:49,039,816, T>G on the plus strand (A>C on the coding strand, the complement: KMT2D is on the minus strand). VCF-style: chr12-49039816-T-G. GRCh37 (hg19) VCF-style: chr12-49433599-T-G.
Other names: short protein forms M2652L.
Identifiers: ClinVar variation 94253 (VCV000094253.41), dbSNP rs147706410, ClinGen allele CA222114.